The following is an entry in ClinVar:

NC_000002.11:g.(?_167055172)_(167060984_?)del

Gene: SCN9A (sodium voltage-gated channel alpha subunit 9; minus strand). Cytogenetic location: 2q24.3.
Variant type: Deletion.
Identifiers: ClinVar variation 1074563 (VCV001074563.1).

ClinVar aggregate classification (germline): Pathogenic (1 of 4 stars; one submission).

Conditions:
Generalized epilepsy with febrile seizures plus, type 7 (GEFSP7). Also called: GEFS+, TYPE 7. Identifiers: Orphanet 36387, MedGen C2751778, MONDO:0013470, OMIM 613863.
Neuropathy, hereditary sensory and autonomic, type 2A (HSAN2A). Also called: WNK1-Related HSAN2 (HSAN2A); HSAN IIA; NEUROPATHY, HEREDITARY SENSORY, TYPE IIA; NEUROPATHY, PROGRESSIVE SENSORY, OF CHILDREN; MORVAN DISEASE; NEUROPATHY, CONGENITAL SENSORY. Identifiers: Orphanet 970, MedGen C2752089, MONDO:0024309, OMIM 201300.

Submission:

Labcorp Genetics (formerly Invitae), Labcorp
Classification: Pathogenic for Neuropathy, hereditary sensory and autonomic, type 2A; Generalized epilepsy with febrile seizures plus, type 7. Last evaluated: 2020-07-15. Review status: criteria provided, single submitter. Criteria: Invitae Variant Classification Sherloc (09022015). Collection method: clinical testing. Allele origin: germline.
Comment: This variant is a gross deletion of the genomic region encompassing exons 25-27 of the SCN9A gene. The 5' boundary is likely confined to intron 24. The 3' end of this event is unknown as it extends through the termination codon beyond the assayed region for this gene and may encompass additional genes. While this deletion is not anticipated to result in nonsense mediated decay, it is expected to create a truncated protein product or disrupt mRNA translation. This variant has not been reported in the literature in individuals with SCN9A-related conditions. This variant disrupts the C-terminus of the SCN9A protein. Other variant(s) that disrupt this region (p.Glu1773Glyfs*14) have been determined to be pathogenic (PMID: 25253744). This suggests that variants that disrupt this region of the protein are likely to be causative of disease. For these reasons, this variant has been classified as Pathogenic.

Literature cited by the submitters: PubMed 25253744.